The following is an entry in ClinVar:

ClinVar aggregate classification (germline): Uncertain significance (1 of 4 stars; one submission).

Conditions:
Severe myoclonic epilepsy in infancy (DRVT). Also called: SEVERE MYOCLONIC EPILEPSY OF INFANCY; DEVELOPMENTAL AND EPILEPTIC ENCEPHALOPATHY 6A; Severe Myoclonic Epilepsy in Infancy (SMEI); Dravet syndrome; Epileptic encephalopathy, early infantile, 6 (Dravet syndrome). Identifiers: Orphanet 33069, MedGen C0751122, MONDO:0100135, OMIM 607208.

Allele frequency attached by ClinVar (database versions not stated): ExAC below 0.00001; gnomAD exomes below 0.00001; TOPMed below 0.00001.
gnomAD v4.1: 1 of 1,413,736 alleles (0.000071%); highest among the groups gnomAD compares: Non-Finnish European, 0.000092%; no homozygotes.

Submission:

Labcorp Genetics (formerly Invitae), Labcorp
Classification: Uncertain significance for Severe myoclonic epilepsy in infancy. Last evaluated: 2019-12-03. Review status: criteria provided, single submitter. Criteria: Invitae Variant Classification Sherloc (09022015). Collection method: clinical testing. Allele origin: germline.
Comment: In summary, the available evidence is currently insufficient to determine the role of this variant in disease. Therefore, it has been classified as a Variant of Uncertain Significance. Algorithms developed to predict the effect of missense changes on protein structure and function are either unavailable or do not agree on the potential impact of this missense change (SIFT: "Deleterious"; PolyPhen-2: "Benign"; Align-GVGD: "Class C0"). This variant has not been reported in the literature in individuals with SNX27-related conditions. The frequency data for this variant in the population databases is considered unreliable, as metrics indicate poor data quality at this position in the ExAC database. This sequence change replaces arginine with leucine at codon 92 of the SNX27 protein (p.Arg92Leu). The arginine residue is moderately conserved and there is a moderate physicochemical difference between arginine and leucine.

NM_001330723.2(SNX27):c.275G>T (p.Arg92Leu)

Gene: SNX27 (sorting nexin 27; plus strand). Cytogenetic location: 1q21.3.
Variant type: single nucleotide variant.
Coding change: c.275G>T on transcript NM_001330723.2 (MANE Select); coding-DNA position 275, G replaced by T.
Protein change: p.Arg92Leu; replaces arginine 92 with leucine.
Molecular consequence: missense variant.
Genome position (GRCh38, 1-based): chr1:151,612,476, G>T. VCF-style: chr1-151612476-G-T. GRCh37 (hg19) VCF-style: chr1-151584952-G-T.
Other names: c.275G>T, p.Arg92Leu (NM_030918.6); short protein forms R92L.
Identifiers: ClinVar variation 855606 (VCV000855606.9), dbSNP rs768798077, ClinGen allele CA1093370.